The following is an entry in ClinVar:

ClinVar aggregate classification (germline): Uncertain significance. Review status: criteria provided, multiple submitters, no conflicts (2 of 4 stars). 2 submissions from 2 submitters: Uncertain significance (2). Last evaluated 2024-04-25.

Conditions:
Joubert syndrome. Also called: CEREBELLOPARENCHYMAL DISORDER IV; JOUBERT-BOLTSHAUSER SYNDROME; Familial aplasia of the vermis. Identifiers: Orphanet 475, MedGen C5979921, MONDO:0018772.
Meckel-Gruber syndrome. Also called: DYSENCEPHALIA SPLANCHNOCYSTICA; GRUBER SYNDROME; Dysencephalia splachnocystica. Identifiers: Orphanet 564, MedGen C0265215, MONDO:0018921.

Allele frequency attached by ClinVar (database versions not stated): gnomAD exomes 0.00001 and 0.00002; ExAC 0.00002.
gnomAD v4.1: 3 of 1,614,118 alleles (0.00019%); highest among the groups gnomAD compares: South Asian, 0.0033%; no homozygotes.

Submissions (2):

Labcorp Genetics (formerly Invitae), Labcorp
Classification: Uncertain significance for Joubert syndrome; Meckel-Gruber syndrome. Last evaluated: 2024-04-25. Review status: criteria provided, single submitter. Criteria: Invitae Variant Classification Sherloc (09022015). Collection method: clinical testing. Allele origin: germline.
Comment: This sequence change replaces serine, which is neutral and polar, with glycine, which is neutral and non-polar, at codon 98 of the TCTN1 protein (p.Ser98Gly). This variant is present in population databases (rs777999729, gnomAD 0.01%). This variant has not been reported in the literature in individuals affected with TCTN1-related conditions. ClinVar contains an entry for this variant (Variation ID: 1306274). Advanced modeling of protein sequence and biophysical properties (such as structural, functional, and spatial information, amino acid conservation, physicochemical variation, residue mobility, and thermodynamic stability) has been performed at Invitae for this missense variant, however the output from this modeling did not meet the statistical confidence thresholds required to predict the impact of this variant on TCTN1 protein function. In summary, the available evidence is currently insufficient to determine the role of this variant in disease. Therefore, it has been classified as a Variant of Uncertain Significance.

GeneDx
Classification: Uncertain significance. Last evaluated: 2019-06-04. Review status: criteria provided, single submitter. Criteria: GeneDx Variant Classification Process June 2021. Collection method: clinical testing. Allele origin: germline. Affected: yes.
Comment: Not observed at a significant frequency in large population cohorts (Lek et al., 2016); In silico analysis, which includes protein predictors and evolutionary conservation, supports that this variant does not alter protein structure/function; Has not been previously published as pathogenic or benign to our knowledge

NM_001082538.3(TCTN1):c.292A>G (p.Ser98Gly)

Gene: TCTN1 (tectonic family member 1; plus strand). Cytogenetic location: 12q24.11.
Variant type: single nucleotide variant.
Coding change: c.292A>G on transcript NM_001082538.3 (MANE Select); coding-DNA position 292, A replaced by G.
Protein change: p.Ser98Gly; replaces serine 98 with glycine.
Molecular consequence: missense variant. On other transcripts: 5 prime UTR variant (1), non-coding transcript variant (1).
Genome position (GRCh38, 1-based): chr12:110,619,907, A>G. VCF-style: chr12-110619907-A-G. GRCh37 (hg19) VCF-style: chr12-111057712-A-G.
Other names: c.292A>G, p.Ser98Gly (NM_001082537.3, NM_001319680.2, NM_024549.6); c.124A>G, p.Ser42Gly (NM_001173975.3, NM_001319682.3); c.112A>G, p.Ser38Gly (NM_001173976.2); c.-416A>G (NM_001319681.2); short protein forms S38G, S42G, S98G.
Identifiers: ClinVar variation 1306274 (VCV001306274.4), dbSNP rs777999729, ClinGen allele CA6786516.